The following is an entry in ClinVar:

NM_032578.4(MYPN):c.3314C>T (p.Thr1105Ile)

Gene: MYPN (myopalladin; plus strand). Cytogenetic location: 10q21.3.
Variant type: single nucleotide variant.
Coding change: c.3314C>T on transcript NM_032578.4 (MANE Select); coding-DNA position 3314, C replaced by T.
Protein change: p.Thr1105Ile; replaces threonine 1105 with isoleucine.
Molecular consequence: missense variant. On other transcripts: non-coding transcript variant (2).
Genome position (GRCh38, 1-based): chr10:68,199,396, C>T. VCF-style: chr10-68199396-C-T. GRCh37 (hg19) VCF-style: chr10-69959153-C-T.
Other names: c.3314C>T, p.Thr1105Ile (NM_001256267.2); c.2432C>T, p.Thr811Ile (NM_001256268.2); short protein forms T1105I, T811I.
Identifiers: ClinVar variation 3298136 (VCV003298136.2).
Genomic context (GRCh38, chr10:68,199,396, plus strand): 5'-TCATGTGCCTCAGCTGTTCTGTTGTTTATTAGGTGAGTGGTTTACCGCCCCCGGAGCTGA[C>T]ATGGCTACTCAATGGCCAACCTGTGCTACCAGATGCCTCCCACAAGATGCTGGTCAGGGA-3'
Protein context (NP_115967.2, residues 1095-1115): KVSGLPPPEL[Thr1105Ile]WLLNGQPVLP

ClinVar aggregate classification (germline): Uncertain significance. Review status: criteria provided, multiple submitters, no conflicts (2 of 4 stars). 2 submissions from 2 submitters: Uncertain significance (2). Last evaluated 2025-03-31.

Conditions:
Cardiovascular phenotype. Identifiers: MedGen CN230736.

gnomAD v4.1: 38 of 1,614,026 alleles (0.0024%); highest among the groups gnomAD compares: South Asian, 0.037%; no homozygotes.

Submissions (2):

Revvity Omics, Revvity
Classification: Uncertain significance. Last evaluated: 2025-03-31. Review status: criteria provided, single submitter. Criteria: ACMG Guidelines, 2015. Collection method: clinical testing. Allele origin: germline.

Ambry Genetics
Classification: Uncertain significance for Cardiovascular phenotype. Last evaluated: 2024-04-20. Review status: criteria provided, single submitter. Criteria: Ambry Variant Classification Scheme 2023. Collection method: clinical testing. Allele origin: germline.
Comment: The p.T1105I variant (also known as c.3314C>T), located in coding exon 16 of the MYPN gene, results from a C to T substitution at nucleotide position 3314. The threonine at codon 1105 is replaced by isoleucine, an amino acid with similar properties. This amino acid position is conserved. In addition, this alteration is predicted to be tolerated by in silico analysis. Based on the available evidence, the clinical significance of this variant remains unclear.